The following is an entry in ClinVar:

NM_000496.3(CRYBB2):c.470C>T (p.Pro157Leu)

Gene: CRYBB2 (crystallin beta B2; plus strand). Cytogenetic location: 22q11.23.
Variant type: single nucleotide variant.
Coding change: c.470C>T on transcript NM_000496.3 (MANE Select); coding-DNA position 470, C replaced by T.
Protein change: p.Pro157Leu; replaces proline 157 with leucine.
Molecular consequence: missense variant.
Genome position (GRCh38, 1-based): chr22:25,231,624, C>T. VCF-style: chr22-25231624-C-T. GRCh37 (hg19) VCF-style: chr22-25627591-C-T.
Other names: short protein forms P157L.
Identifiers: ClinVar variation 1708137 (VCV001708137.1), dbSNP rs2517858504, ClinGen allele CA410988178.

ClinVar aggregate classification (germline): Pathogenic (1 of 4 stars; one submission).

Conditions:
Cataract 3 multiple types. Also called: CATARACT 3, MULTIPLE TYPES, WITH OR WITHOUT MICROCORNEA. Identifiers: Orphanet 1377, MedGen C1832175, MONDO:0011104, OMIM 601547.

Submission:

Laboratory of Medical Genetics, National & Kapodistrian University of Athens
Classification: Pathogenic for Cataract 3 multiple types. Last evaluated: 2022-01-31. Review status: criteria provided, single submitter. Criteria: ACMG Guidelines, 2015. Collection method: clinical testing. Allele origin: germline. Affected: yes.
Comment: PM1, PM2, PP2, PP3